The following is an entry in ClinVar:

NM_000528.4(MAN2B1):c.1117A>T (p.Lys373Ter)

Gene: MAN2B1 (mannosidase alpha class 2B member 1; minus strand). Cytogenetic location: 19p13.13.
Variant type: single nucleotide variant.
Coding change: c.1117A>T on transcript NM_000528.4 (MANE Select); coding-DNA position 1117, A replaced by T.
Protein change: p.Lys373Ter; replaces lysine 373 with a stop codon.
Molecular consequence: nonsense.
Genome position (GRCh38, 1-based): chr19:12,658,337, T>A on the plus strand (A>T on the coding strand, the complement: MAN2B1 is on the minus strand). VCF-style: chr19-12658337-T-A. GRCh37 (hg19) VCF-style: chr19-12769151-T-A.
Other names: c.1114A>T, p.Lys372Ter (NM_001173498.2); c.1117A>T (NM_000528.3); short protein forms K372*, K373*.
Identifiers: ClinVar variation 1365949 (VCV001365949.8), dbSNP rs778554304, ClinGen allele CA9226574.

ClinVar aggregate classification (germline): Pathogenic/Likely pathogenic. Review status: criteria provided, multiple submitters, no conflicts (2 of 4 stars). 3 submissions from 3 submitters: Pathogenic (1); Likely pathogenic (2). Last evaluated 2025-08-20.

Conditions:
Deficiency of alpha-mannosidase (MANSA). Also called: Mannosidosis, alpha-, types I and II; LYSOSOMAL ALPHA-D-MANNOSIDASE DEFICIENCY; Alpha-Mannosidosis. Identifiers: Orphanet 61, MedGen C0024748, MONDO:0009561, OMIM 248500.

Allele frequency attached by ClinVar (database versions not stated): gnomAD exomes below 0.00001; ExAC 0.00001; gnomAD 0.00001; TOPMed 0.00001.
gnomAD v4.1: 1 of 1,614,102 alleles (0.000062%); highest among the groups gnomAD compares: African/African-American, 0.0013%; no homozygotes.

Submissions (3):

Natera, Inc.
Classification: Likely pathogenic for Alpha-mannosidosis. Last evaluated: 2025-08-20. Review status: criteria provided, single submitter. Criteria: Natera Variant Classification Schema (03/2026). Collection method: clinical testing. Allele origin: germline.
Comment: The c.1117A>T variant in MAN2B1 is a nonsense variant predicted to introduce a stop codon at amino acid 373. This variant is expected to result in nonsense mediated decay, truncation, or a dysfunctional protein product. This variant is rare in the general population with a frequency below the threshold expected for the associated phenotype(s). Given the available evidence, this variant is classified as Likely Pathogenic.

Baylor Genetics
Classification: Likely pathogenic for Deficiency of alpha-mannosidase. Last evaluated: 2023-07-01. Review status: criteria provided, single submitter. Criteria: ACMG Guidelines, 2015. Collection method: clinical testing. Allele origin: unknown.

Labcorp Genetics (formerly Invitae), Labcorp
Classification: Pathogenic for Deficiency of alpha-mannosidase. Last evaluated: 2020-11-18. Review status: criteria provided, single submitter. Criteria: Invitae Variant Classification Sherloc (09022015). Collection method: clinical testing. Allele origin: germline.
Comment: For these reasons, this variant has been classified as Pathogenic. This variant has not been reported in the literature in individuals with MAN2B1-related conditions. This variant is present in population databases (rs778554304, ExAC 0.01%). This sequence change creates a premature translational stop signal (p.Lys373*) in the MAN2B1 gene. It is expected to result in an absent or disrupted protein product. Loss-of-function variants in MAN2B1 are known to be pathogenic (PMID: 9915946, 22161967).

Literature cited by the submitters: PubMed 9915946 (cited by Labcorp Genetics (formerly Invitae), Labcorp); PubMed 22161967 (cited by Labcorp Genetics (formerly Invitae), Labcorp).